The following is an entry in ClinVar:

NM_032578.4(MYPN):c.1436C>G (p.Pro479Arg)

Gene: MYPN (myopalladin; plus strand). Cytogenetic location: 10q21.3.
Variant type: single nucleotide variant.
Coding change: c.1436C>G on transcript NM_032578.4 (MANE Select); coding-DNA position 1436, C replaced by G.
Protein change: p.Pro479Arg; replaces proline 479 with arginine.
Molecular consequence: missense variant. On other transcripts: non-coding transcript variant (2).
Genome position (GRCh38, 1-based): chr10:68,158,604, C>G. VCF-style: chr10-68158604-C-G. GRCh37 (hg19) VCF-style: chr10-69918361-C-G.
Other names: c.1436C>G, p.Pro479Arg (NM_001256267.2); c.554C>G, p.Pro185Arg (NM_001256268.2); c.1436C>G (NM_032578.2); short protein forms P185R, P479R.
Identifiers: ClinVar variation 1446870 (VCV001446870.9), dbSNP rs770366905, ClinGen allele CA5522539.
Genomic context (GRCh38, chr10:68,158,604, plus strand): 5'-AAGGAGCTCCATCTCCTAAGGTTGAGTGGTATAGAGAAGGGACTTTAATAGAAGATTCTC[C>G]AGATTTTAGGATTTTACAGAAAAGTAAGTTAATACTTTAAATTATTTTCTGATATTTTGT-3'
Protein context (NP_115967.2, residues 469-489): YREGTLIEDS[Pro479Arg]DFRILQKKPR

ClinVar aggregate classification (germline): Uncertain significance. Review status: criteria provided, multiple submitters, no conflicts (2 of 4 stars). 3 submissions from 3 submitters: Uncertain significance (3). Last evaluated 2026-09-03.

Conditions:
MYPN-related myopathy (CMYO24). Also called: Nemaline myopathy 11, autosomal recessive. Identifiers: MedGen C4479186, MONDO:0015023, OMIM 617336.
Dilated cardiomyopathy 1KK (CMD1KK). Identifiers: Orphanet 154, Orphanet 75249, MedGen C3714995, MONDO:0014100, OMIM 615248.
Cardiovascular phenotype. Identifiers: MedGen CN230736.

Allele frequency attached by ClinVar (database versions not stated): gnomAD exomes 0.00002 and 0.00001; ExAC 0.00001; TOPMed 0.00001; gnomAD 0.00001.
gnomAD v4.1: 30 of 1,597,490 alleles (0.0019%); highest among the groups gnomAD compares: Non-Finnish European, 0.0026%; no homozygotes.

Submissions (3):

Ambry Genetics
Classification: Uncertain significance for Cardiovascular phenotype. Last evaluated: 2026-09-03. Review status: criteria provided, single submitter. Criteria: Ambry Variant Classification Scheme 2023. Collection method: clinical testing. Allele origin: germline.
Comment: The p.P479R variant (also known as c.1436C>G), located in coding exon 6 of the MYPN gene, results from a C to G substitution at nucleotide position 1436. The proline at codon 479 is replaced by arginine, an amino acid with dissimilar properties. This amino acid position is highly conserved in available vertebrate species. In addition, this alteration is predicted to be deleterious by in silico analysis. Based on the available evidence, the clinical significance of this variant remains unclear.

Labcorp Genetics (formerly Invitae), Labcorp
Classification: Uncertain significance for Dilated cardiomyopathy 1KK. Last evaluated: 2022-02-02. Review status: criteria provided, single submitter. Criteria: Invitae Variant Classification Sherloc (09022015). Collection method: clinical testing. Allele origin: germline.
Comment: This sequence change replaces proline, which is neutral and non-polar, with arginine, which is basic and polar, at codon 479 of the MYPN protein (p.Pro479Arg). This variant is present in population databases (rs770366905, gnomAD 0.003%). This variant has not been reported in the literature in individuals affected with MYPN-related conditions. Algorithms developed to predict the effect of missense changes on protein structure and function are either unavailable or do not agree on the potential impact of this missense change (SIFT: "Deleterious"; PolyPhen-2: "Probably Damaging"; Align-GVGD: "Class C15"). In summary, the available evidence is currently insufficient to determine the role of this variant in disease. Therefore, it has been classified as a Variant of Uncertain Significance.

Fulgent Genetics
Classification: Uncertain significance for Dilated cardiomyopathy 1KK; MYPN-related myopathy. Last evaluated: 2021-09-01. Review status: criteria provided, single submitter. Criteria: ACMG Guidelines, 2015. Collection method: clinical testing. Allele origin: unknown.